The following is an entry in ClinVar:

NM_022437.3(ABCG8):c.453G>A (p.Val151=)

Gene: ABCG8 (ATP binding cassette subfamily G member 8; plus strand). Cytogenetic location: 2p21.
Variant type: single nucleotide variant.
Coding change: c.453G>A on transcript NM_022437.3 (MANE Select); coding-DNA position 453, G replaced by A.
Protein change: p.Val151=; no amino-acid change (valine 151 retained).
Molecular consequence: synonymous variant.
Genome position (GRCh38, 1-based): chr2:43,851,714, G>A. VCF-style: chr2-43851714-G-A. GRCh37 (hg19) VCF-style: chr2-44078853-G-A.
Other names: p.Val151=; c.453G>A, p.Val151= (NM_001357321.2).
Identifiers: ClinVar variation 284070 (VCV000284070.28), dbSNP rs56132765, ClinGen allele CA1637023.

ClinVar aggregate classification (germline): Benign. Review status: criteria provided, multiple submitters, no conflicts (2 of 4 stars). 11 submissions from 11 submitters: Benign (10). 1 of the submissions does not count toward it. Last evaluated 2026-02-03.

Conditions:
Sitosterolemia 1. Identifiers: MedGen C2749759, MONDO:0020747, OMIM 210250.
ABCG8-related disorder. Also called: ABCG8-related condition.
Cardiovascular phenotype. Identifiers: MedGen CN230736.

Allele frequency attached by ClinVar (database versions not stated): gnomAD exomes 0.06083 and 0.06611; 1000 Genomes Project 0.06310; ExAC 0.06372; 1000 Genomes Project 30x 0.06465; gnomAD 0.06740 and 0.06877; ESP Exome Variant Server 0.06743; TOPMed 0.07018.
gnomAD v4.1: 99,353 of 1,614,176 alleles (6.2%); highest among the groups gnomAD compares: Admixed American, 9.2%; 3,326 homozygotes.

Submissions (11):

Labcorp Genetics (formerly Invitae), Labcorp
Classification: Benign. Last evaluated: 2026-02-03. Review status: criteria provided, single submitter. Criteria: Invitae Variant Classification Sherloc (09022015). Collection method: clinical testing. Allele origin: germline.

Molecular Diagnostic Laboratory for Inherited Cardiovascular Disease, Montreal Heart Institute
Classification: Benign. Last evaluated: 2025-04-09. Review status: criteria provided, single submitter. Criteria: ACMG Guidelines, 2015. Collection method: clinical testing. Allele origin: germline. Affected: no.

Blueprint Genetics
Classification: Benign. Last evaluated: 2024-11-26. Review status: criteria provided, single submitter. Criteria: ACMG Guidelines, 2015. Collection method: clinical testing. Allele origin: germline.

Women's Health and Genetics/Laboratory Corporation of America, LabCorp
Classification: Benign. Last evaluated: 2023-07-17. Review status: criteria provided, single submitter. Criteria: LabCorp Variant Classification Summary - May 2015. Collection method: clinical testing. Allele origin: germline.

Mayo Clinic Laboratories, Mayo Clinic
Classification: Benign. Last evaluated: 2022-09-29. Review status: criteria provided, single submitter. Criteria: ACMG Guidelines, 2015. Collection method: clinical testing. Allele origin: germline. Observed: 289 variant alleles.

Ambry Genetics
Classification: Benign for Cardiovascular phenotype. Last evaluated: 2018-12-03. Review status: criteria provided, single submitter. Criteria: Ambry Variant Classification Scheme 2023. Collection method: clinical testing. Allele origin: germline.

GeneDx
Classification: Benign. Last evaluated: 2018-07-05. Review status: criteria provided, single submitter. Criteria: GeneDx Variant Classification Process June 2021. Collection method: clinical testing. Allele origin: germline. Affected: yes.

Illumina Laboratory Services, Illumina
Classification: Benign for Sitosterolemia 1. Last evaluated: 2018-01-12. Review status: criteria provided, single submitter. Criteria: ICSL Variant Classification Criteria 13 December 2019. Collection method: clinical testing. Allele origin: germline.
Comment: This variant was observed in the ICSL laboratory as part of a predisposition screen in an ostensibly healthy population. It had not been previously curated by ICSL or reported in the Human Gene Mutation Database (HGMD: prior to June 1st, 2018), and was therefore a candidate for classification through an automated scoring system. Utilizing variant allele frequency, disease prevalence and penetrance estimates, and inheritance mode, an automated score was calculated to assess if this variant is too frequent to cause the disease. Based on the score and internal cut-off values, a variant classified as benign is not then subjected to further curation. The score for this variant resulted in a classification of benign for this disease.

Eurofins Ntd Llc (ga)
Classification: Benign. Last evaluated: 2015-10-12. Review status: criteria provided, single submitter. Criteria: EGL Classification Definitions 2015. Collection method: clinical testing. Allele origin: germline. Observed: 1 variant allele, 1 heterozygote.

Breakthrough Genomics
Classification: Benign. Review status: criteria provided, single submitter. Criteria: ACMG Guidelines, 2015. Collection method: not provided. Allele origin: germline. Inheritance: Autosomal recessive inheritance. Affected: yes.

PreventionGenetics, part of Exact Sciences
Classification: Benign for ABCG8-related condition. Last evaluated: 2022-01-31. Review status: no assertion criteria provided. Collection method: clinical testing. Allele origin: germline. Not counted in ClinVar's aggregate classification.
Comment: This variant is classified as benign based on ACMG/AMP sequence variant interpretation guidelines (Richards et al. 2015 PMID: 25741868, with internal and published modifications).